The following is an entry in ClinVar:

NM_000368.5(TSC1):c.1029+1G>A

Gene: TSC1 (TSC complex subunit 1; minus strand). Cytogenetic location: 9q34.13.
Variant type: single nucleotide variant.
Coding change: c.1029+1G>A on transcript NM_000368.5 (MANE Select); the canonical splice donor site of the intron after coding-DNA position 1029, G replaced by A.
Molecular consequence: splice donor variant. On other transcripts: 5 prime UTR variant (2).
Genome position (GRCh38, 1-based): chr9:132,911,452, C>T on the plus strand (G>A on the coding strand, the complement: TSC1 is on the minus strand). VCF-style: chr9-132911452-C-T. GRCh37 (hg19) VCF-style: chr9-135786839-C-T.
Other names: c.666+1G>A (NM_001406615.1, NM_001406620.1, NM_001406618.1 and 10 more transcripts); c.1029+1G>A (NM_001406599.1, NM_001406594.1, NM_001406603.1 and 16 more transcripts); c.-64G>A (NM_001406629.1, NM_001406630.1); c.876+1G>A (NM_001406613.1, NM_001406612.1, NM_001406610.1 and 2 more transcripts); c.78+1G>A (NM_001406627.1, NM_001406628.1, NM_001406626.1).
Identifiers: ClinVar variation 48729 (VCV000048729.12), dbSNP rs118203485, ClinGen allele CA004316.

ClinVar aggregate classification (germline): Pathogenic/Likely pathogenic. Review status: criteria provided, multiple submitters, no conflicts (2 of 4 stars). 5 submissions from 5 submitters: Pathogenic (3); Likely pathogenic (1). 1 of the submissions does not count toward it. Last evaluated 2024-01-15.

Conditions:
Tuberous sclerosis 1 (TSC1). Identifiers: Orphanet 805, MedGen C1854465, MONDO:0008612, OMIM 191100.
Isolated focal cortical dysplasia type II (FCORD2). Also called: CORTICAL DYSPLASIA OF TAYLOR; Focal cortical dysplasia type II. Identifiers: Orphanet 268994, MedGen C1846385, MONDO:0011818, OMIM 607341, HP:0032051.
Lymphangiomyomatosis (LAM). Also called: Lymphangioleiomyomatosis; Lymphangioleiomyomatosis, somatic. Identifiers: Orphanet 538, MedGen C0751674, MONDO:0011705, OMIM 606690.
Hereditary cancer-predisposing syndrome. Also called: Tumor predisposition; Hereditary Cancer Syndrome; Hereditary neoplastic syndrome; Neoplastic Syndromes, Hereditary. Identifiers: Orphanet 140162, MedGen C0027672, MeSH D009386, MONDO:0015356.
Tuberous sclerosis syndrome (TSC). Also called: Tuberous Sclerosis Complex; Tuberous sclerosis. Identifiers: Orphanet 805, MedGen C0041341, MONDO:0001734.

Allele frequency attached by ClinVar (database versions not stated): gnomAD exomes below 0.00001.

Submissions (5):

Labcorp Genetics (formerly Invitae), Labcorp
Classification: Pathogenic for Tuberous sclerosis 1. Last evaluated: 2024-01-15. Review status: criteria provided, single submitter. Criteria: Invitae Variant Classification Sherloc (09022015). Collection method: clinical testing. Allele origin: germline.
Comment: This sequence change affects a donor splice site in intron 10 of the TSC1 gene. RNA analysis indicates that disruption of this splice site induces altered splicing and may result in an absent or disrupted protein product. This variant is present in population databases (rs118203485, gnomAD 0.006%). Disruption of this splice site has been observed in individuals with tuberous sclerosis complex (PMID: 10533069; Invitae). ClinVar contains an entry for this variant (Variation ID: 48729). Studies have shown that disruption of this splice site results in inclusion of intron 10 and introduces a premature termination codon (PMID: 10533069). The resulting mRNA is expected to undergo nonsense-mediated decay. For these reasons, this variant has been classified as Pathogenic.

Ambry Genetics
Classification: Likely pathogenic for Hereditary cancer-predisposing syndrome. Last evaluated: 2023-11-14. Review status: criteria provided, single submitter. Criteria: Ambry Variant Classification Scheme 2023. Collection method: clinical testing. Allele origin: germline.
Comment: The c.1029+1G>A intronic variant results from a G to A substitution one nucleotide after coding exon 8 of the TSC1 gene. This nucleotide position is highly conserved in available vertebrate species. In silico splice site analysis predicts that this alteration will weaken the native splice donor site. In addition to the clinical data presented in the literature, alterations that disrupt the canonical splice site are expected to cause aberrant splicing, resulting in an abnormal protein or a transcript that is subject to nonsense-mediated mRNA decay. As such, this alteration is classified as likely pathogenic.

Mendelics
Classification: Pathogenic for Tuberous sclerosis 1. Last evaluated: 2022-05-04. Review status: criteria provided, single submitter. Criteria: Mendelics Assertion Criteria 2019. Collection method: clinical testing. Allele origin: germline.

Fulgent Genetics
Classification: Pathogenic for Tuberous sclerosis 1; Lymphangiomyomatosis; Isolated focal cortical dysplasia type II. Last evaluated: 2022-03-08. Review status: criteria provided, single submitter. Criteria: ACMG Guidelines, 2015. Collection method: clinical testing. Allele origin: unknown.

Tuberous sclerosis database (TSC1)
No classification provided. Condition: TSC. Review status: no classification provided. Criteria: Tuberous Sclerosis Database Assertion Criteria 2015. Collection method: curation. Allele origin: germline. Affected: yes. Not counted in ClinVar's aggregate classification.

Literature cited by the submitters: PubMed 10533069 (cited by Labcorp Genetics (formerly Invitae), Labcorp); PubMed 32211034 (cited by Ambry Genetics).